The following is an entry in ClinVar:

NM_182914.3(SYNE2):c.19623C>T (p.Asp6541=)

Gene: SYNE2 (spectrin repeat containing nuclear envelope protein 2; plus strand). Cytogenetic location: 14q23.2.
Variant type: single nucleotide variant.
Coding change: c.19623C>T on transcript NM_182914.3 (MANE Select); coding-DNA position 19623, C replaced by T.
Protein change: p.Asp6541=; no amino-acid change (aspartic acid 6541 retained).
Molecular consequence: synonymous variant.
Genome position (GRCh38, 1-based): chr14:64,218,478, C>T. VCF-style: chr14-64218478-C-T. GRCh37 (hg19) VCF-style: chr14-64685196-C-T.
Other names: c.19554C>T, p.Asp6518= (NM_015180.6); c.147C>T, p.Asp49= (NM_182910.2); c.525C>T, p.Asp175= (NM_182913.4).
Identifiers: ClinVar variation 705911 (VCV000705911.40), dbSNP rs150366060, ClinGen allele CA7224518.
Genomic context (GRCh38, chr14:64,218,478, plus strand): 5'-AGGCACGGATGGTGGCAAAGAAGGCCCGCGAGTCCTGAATGGCAACCCACAGCAGGAAGA[C>T]GGGGGACTGGCCGGTATCACAGAGCAGCAGTCAGGTACTGCCTGTAACTGGCAGTCGTCC-3'
Protein context (NP_878918.2, residues 6531-6551): RVLNGNPQQE[Asp6541=]GGLAGITEQQ

ClinVar aggregate classification (germline): Likely benign. Review status: criteria provided, multiple submitters, no conflicts (2 of 4 stars). 5 submissions from 5 submitters: Likely benign (5). Last evaluated 2024-12-02.

Conditions:
Emery-Dreifuss muscular dystrophy 5, autosomal dominant (EDMD5). Also called: EMERY-DREIFUSS MUSCULAR DYSTROPHY 5. Identifiers: Orphanet 261, MedGen C2751805, MONDO:0013072, OMIM 612999.

Allele frequency attached by ClinVar (database versions not stated): gnomAD exomes 0.00002; ExAC 0.00003; TOPMed 0.00006; gnomAD 0.00008 and 0.00009; ESP Exome Variant Server 0.00015.
gnomAD v4.1: 50 of 1,614,036 alleles (0.0031%); highest among the groups gnomAD compares: Middle Eastern, 0.066%; no homozygotes.

Submissions (5):

Labcorp Genetics (formerly Invitae), Labcorp
Classification: Likely benign for Emery-Dreifuss muscular dystrophy 5, autosomal dominant. Last evaluated: 2024-12-02. Review status: criteria provided, single submitter. Criteria: Invitae Variant Classification Sherloc (09022015). Collection method: clinical testing. Allele origin: germline.

CeGaT Center for Human Genetics Tuebingen
Classification: Likely benign. Last evaluated: 2022-03-01. Review status: criteria provided, single submitter. Criteria: CeGaT Center For Human Genetics Tuebingen Variant Classification Criteria Version 2. Collection method: clinical testing. Allele origin: germline. Affected: yes. Observed: 1 variant allele.
Comment: SYNE2: BP4, BP7

Blueprint Genetics
Classification: Likely benign. Last evaluated: 2020-11-19. Review status: criteria provided, single submitter. Criteria: ACMG Guidelines, 2015. Collection method: clinical testing. Allele origin: germline.

Illumina Laboratory Services, Illumina
Classification: Likely benign for Emery-Dreifuss muscular dystrophy 5, autosomal dominant. Last evaluated: 2018-01-12. Review status: criteria provided, single submitter. Criteria: ICSL Variant Classification Criteria 13 December 2019. Collection method: clinical testing. Allele origin: germline.
Comment: This variant was observed in the ICSL laboratory as part of a predisposition screen in an ostensibly healthy population. It had not been previously curated by ICSL or reported in the Human Gene Mutation Database (HGMD: prior to June 1st, 2018), and was therefore a candidate for classification through an automated scoring system. Utilizing variant allele frequency, disease prevalence and penetrance estimates, and inheritance mode, an automated score was calculated to assess if this variant is too frequent to cause the disease. Based on the score and internal cut-off values, a variant classified as likely benign is not then subjected to further curation. The score for this variant resulted in a classification of likely benign for this disease.

Breakthrough Genomics
Classification: Likely benign. Review status: criteria provided, single submitter. Criteria: ACMG Guidelines, 2015. Collection method: not provided. Allele origin: germline. Inheritance: Autosomal dominant inheritance. Affected: yes.